The following is an entry in ClinVar:

NM_004385.5(VCAN):c.8386C>G (p.Pro2796Ala)

Genes: VCAN (versican; plus strand), VCAN-AS1 (VCAN antisense RNA 1; minus strand). Cytogenetic location: 5q14.3.
Variant type: single nucleotide variant.
Coding change: c.8386C>G on transcript NM_004385.5 (MANE Select); coding-DNA position 8386, C replaced by G.
Protein change: p.Pro2796Ala; replaces proline 2796 with alanine.
Molecular consequence: missense variant. On other transcripts: intron variant (2).
Genome position (GRCh38, 1-based): chr5:83,541,389, C>G. VCF-style: chr5-83541389-C-G. GRCh37 (hg19) VCF-style: chr5-82837208-C-G.
Other names: c.5425C>G, p.Pro1809Ala (NM_001164097.2); c.4004-4148C>G (NM_001164098.2); c.1043-4148C>G (NM_001126336.3); short protein forms P1809A, P2796A.
Identifiers: ClinVar variation 3360904 (VCV003360904.1).

ClinVar aggregate classification (germline): Uncertain significance (1 of 4 stars; one submission).

gnomAD v4.1: 1 of 1,614,008 alleles (0.000062%); highest among the groups gnomAD compares: African/African-American, 0.0013%; no homozygotes.

Submission:

GeneDx
Classification: Uncertain significance. Last evaluated: 2023-07-17. Review status: criteria provided, single submitter. Criteria: GeneDx Variant Classification Process June 2021. Collection method: clinical testing. Allele origin: germline. Affected: yes.
Comment: Not observed at significant frequency in large population cohorts (gnomAD); In silico analysis supports that this missense variant has a deleterious effect on protein structure/function; Has not been previously published as pathogenic or benign to our knowledge